The following is an entry in ClinVar:

NM_020971.3(SPTBN4):c.7228G>C (p.Ala2410Pro)

Genes: SPTBN4 (spectrin beta, non-erythrocytic 4; plus strand), LOC130064467 (ATAC-STARR-seq lymphoblastoid silent region 10632; plus strand). Cytogenetic location: 19q13.2.
Variant type: single nucleotide variant.
Coding change: c.7228G>C on transcript NM_020971.3 (MANE Select); coding-DNA position 7228, G replaced by C.
Protein change: p.Ala2410Pro; replaces alanine 2410 with proline.
Molecular consequence: missense variant.
Genome position (GRCh38, 1-based): chr19:40,570,637, G>C. VCF-style: chr19-40570637-G-C. GRCh37 (hg19) VCF-style: chr19-41076543-G-C.
Other names: short protein forms A2410P.
Identifiers: ClinVar variation 1342432 (VCV001342432.1), dbSNP rs963393003, ClinGen allele CA308425101.
Genomic context (GRCh38, chr19:40,570,637, plus strand): 5'-GGTGAGGGCGGGGGAAGCCGGCGCTCGCGCTCCGCCCCGGCCCAGGGCGGCTCCGCCCCC[G>C]CGCCTCCGCCACCGCCCACTCACACAGTGCAGCACGAGGGCTTCCTACTGCGCAAGCGCG-3'
Protein context (NP_066022.2, residues 2400-2420): SAPAQGGSAP[Ala2410Pro]PPPPPTHTVQ

ClinVar aggregate classification (germline): Uncertain significance (1 of 4 stars; one submission).

Conditions:
Neurodevelopmental disorder with hypotonia, neuropathy, and deafness (NEDHND). Also called: Myopathy, congenital, with neuropathy and deafness; SPTBN4 Disorder. Identifiers: MedGen C4479603, MONDO:0060496, OMIM 617519.

Allele frequency attached by ClinVar (database versions not stated): gnomAD exomes below 0.00001.
gnomAD v4.1: 7 of 1,499,612 alleles (0.00047%); highest among the groups gnomAD compares: African/African-American, 0.01%; no homozygotes.

Submission:

New York Genome Center
Classification: Uncertain significance for Neurodevelopmental disorder with hypotonia, neuropathy, and deafness. Last evaluated: 2021-04-09. Review status: criteria provided, single submitter. Criteria: NYGC Assertion Criteria 2020. Collection method: clinical testing. Allele origin: inherited. Observed: 1 compound heterozygote. Study: CSER-NYCKidSeq.
Comment: The inherited heterozygous missense variant, c.7228G>C (p.Ala2410Pro) in the SPTBN4 gene has not been reported in affected individuals in the literature. The variant has 0.00003944 allele frequency (6 out of 152,134 heterozygous alleles, no homozygotes) in the gnomAD database indicating it is not a common benign allele in the populations represented in that database. In silico tools provide conflicting predictions about potential pathogenicity of this variant. Based on the available evidence, the inherited c.7228G>C (p.Ala2410Pro) variant in the SPTBN4 gene is reported as a variant of uncertain significance.